The following is an entry in ClinVar:

NM_000384.3(APOB):c.8175T>C (p.Thr2725=)

Gene: APOB (apolipoprotein B; minus strand). Cytogenetic location: 2p24.1.
Variant type: single nucleotide variant.
Coding change: c.8175T>C on transcript NM_000384.3 (MANE Select); coding-DNA position 8175, T replaced by C.
Protein change: p.Thr2725=; no amino-acid change (threonine 2725 retained).
Molecular consequence: synonymous variant.
Genome position (GRCh38, 1-based): chr2:21,008,693, A>G on the plus strand (T>C on the coding strand, the complement: APOB is on the minus strand). VCF-style: chr2-21008693-A-G. GRCh37 (hg19) VCF-style: chr2-21231565-A-G.
Other names: c.8175T>C (NM_000384.2).
Identifiers: ClinVar variation 2177310 (VCV002177310.5), dbSNP rs1663220271, ClinGen allele CA425344983.

ClinVar aggregate classification (germline): Likely benign. Review status: criteria provided, multiple submitters, no conflicts (2 of 4 stars). 2 submissions from 2 submitters: Likely benign (2). Last evaluated 2026-04-16.

Conditions:
Familial hypercholesterolemia. Also called: Familial hypercholesterolaemia; Familial hypercholesterolemias. Identifiers: MedGen C0020445, MONDO:0005439.
Familial hypobetalipoproteinemia 1. Also called: APOB-Related Familial Hypobetalipoproteinemia; Hypobetalipoproteinemia, normotriglyceridemic; Acanthocytosis with hypobetalipoproteinemia. Identifiers: MedGen C4551990, MONDO:0014252, OMIM 615558.
Hypercholesterolemia, autosomal dominant, type B (FHCL2). Also called: Familial Hypercholesterolemia Type B; APOLIPOPROTEIN B-100, FAMILIAL DEFECTIVE; APOLIPOPROTEIN B-100, FAMILIAL LIGAND-DEFECTIVE; HYPERCHOLESTEROLEMIA, FAMILIAL, DUE TO LIGAND-DEFECTIVE APOLIPOPROTEIN B; APOB-Related Familial Hypercholesterolemia, Autosomal Dominant; Hyperlipoproteinemia Type IIb. Identifiers: MedGen C1704417, MONDO:0007751, OMIM 144010.

Allele frequency attached by ClinVar (database versions not stated): gnomAD exomes below 0.00001; TOPMed 0.00001.
gnomAD v4.1: 3 of 1,614,000 alleles (0.00019%); highest among the groups gnomAD compares: Non-Finnish European, 0.00025%; no homozygotes.

Submissions (2):

GENinCode PLC
Classification: Likely benign for Familial hypercholesterolemia. Last evaluated: 2026-04-16. Review status: criteria provided, single submitter. Criteria: ACMG Guidelines, 2015. Collection method: clinical testing. Allele origin: germline.
Comment: This is a synonymous (silent) variant that is not predicted to impact splicing and occurs at a nucleotide which is not highly conserved. This variant has been classified as Likely Benign (BP4, BP7).

Labcorp Genetics (formerly Invitae), Labcorp
Classification: Likely benign for Familial hypobetalipoproteinemia 1; Hypercholesterolemia, autosomal dominant, type B. Last evaluated: 2024-03-21. Review status: criteria provided, single submitter. Criteria: Invitae Variant Classification Sherloc (09022015). Collection method: clinical testing. Allele origin: germline.